The following is an entry in ClinVar:

NM_001105206.3(LAMA4):c.1668+155A>T

Gene: LAMA4 (laminin subunit alpha 4; minus strand). Cytogenetic location: 6q21.
Variant type: single nucleotide variant.
Coding change: c.1668+155A>T on transcript NM_001105206.3 (MANE Select); 155 bases into the intron after coding-DNA position 1668, A replaced by T.
Molecular consequence: intron variant.
Genome position (GRCh38, 1-based): chr6:112,165,005, T>A on the plus strand (A>T on the coding strand, the complement: LAMA4 is on the minus strand). VCF-style: chr6-112165005-T-A. GRCh37 (hg19) VCF-style: chr6-112486207-T-A.
Other names: c.1647+155A>T (NM_002290.5, NM_001105207.3).
Identifiers: ClinVar variation 675661 (VCV000675661.1), dbSNP rs9986631, ClinGen allele CA144873909.

ClinVar aggregate classification (germline): Likely benign (1 of 4 stars; one submission).

Allele frequency attached by ClinVar (database versions not stated): 1000 Genomes Project 0.01358; 1000 Genomes Project 30x 0.01390; gnomAD 0.01433 and 0.01547; TOPMed 0.01585.
gnomAD v4.1: 2,162 of 152,350 alleles (1.4%); highest among the groups gnomAD compares: African/African-American, 4.9%; 56 homozygotes.

Submission:

GeneDx
Classification: Likely benign. Last evaluated: 2018-06-14. Review status: criteria provided, single submitter. Criteria: GeneDx Variant Classification (06012015). Collection method: clinical testing. Allele origin: germline. Affected: yes.
Comment: This variant is considered likely benign or benign based on one or more of the following criteria: it is a conservative change, it occurs at a poorly conserved position in the protein, it is predicted to be benign by multiple in silico algorithms, and/or has population frequency not consistent with disease.